The following is an entry in ClinVar:

NM_002617.4(PEX10):c.36C>T (p.Ile12=)

Gene: PEX10 (peroxisomal biogenesis factor 10; minus strand). Cytogenetic location: 1p36.32.
Variant type: single nucleotide variant.
Coding change: c.36C>T on transcript NM_002617.4 (MANE Select); coding-DNA position 36, C replaced by T.
Protein change: p.Ile12=; no amino-acid change (isoleucine 12 retained).
Molecular consequence: synonymous variant. On other transcripts: intron variant (2).
Genome position (GRCh38, 1-based): chr1:2,412,467, G>A on the plus strand (C>T on the coding strand, the complement: PEX10 is on the minus strand). VCF-style: chr1-2412467-G-A. GRCh37 (hg19) VCF-style: chr1-2343906-G-A.
Other names: c.36C>T, p.Ile12= (NM_001374425.1, NM_153818.2); c.-321+1130C>T (NM_001374427.1, NM_001374426.1); c.36C>T (NM_153818.1).
Identifiers: ClinVar variation 1098054 (VCV001098054.9), dbSNP rs952907703, ClinGen allele CA16947559.

ClinVar aggregate classification (germline): Likely benign. Review status: criteria provided, single submitter (1 of 4 stars). 2 submissions from 2 submitters: Likely benign (1). 1 of the submissions does not count toward it. Last evaluated 2024-06-21.

Conditions:
PEX10-related disorder. Also called: PEX10-related condition.
Peroxisome biogenesis disorder, complementation group 7 (CG7). Also called: Peroxisome biogenesis disorder, complementation group B. Identifiers: MedGen C1864399.

Allele frequency attached by ClinVar (database versions not stated): TOPMed below 0.00001; gnomAD exomes 0.00001 and 0.00007.

Submissions (2):

Labcorp Genetics (formerly Invitae), Labcorp
Classification: Likely benign for Peroxisome biogenesis disorder, complementation group 7. Last evaluated: 2024-06-21. Review status: criteria provided, single submitter. Criteria: Invitae Variant Classification Sherloc (09022015). Collection method: clinical testing. Allele origin: germline.

PreventionGenetics, part of Exact Sciences
Classification: Likely benign for PEX10-related condition. Last evaluated: 2022-06-13. Review status: no assertion criteria provided. Collection method: clinical testing. Allele origin: germline. Not counted in ClinVar's aggregate classification.
Comment: This variant is classified as likely benign based on ACMG/AMP sequence variant interpretation guidelines (Richards et al. 2015 PMID: 25741868, with internal and published modifications).